The following is an entry in ClinVar:

NM_001287.6(CLCN7):c.1077C>A (p.Asn359Lys)

Gene: CLCN7 (Cl-/H+ antiporter 7; minus strand). Cytogenetic location: 16p13.3.
Variant type: single nucleotide variant.
Coding change: c.1077C>A on transcript NM_001287.6 (MANE Select); coding-DNA position 1077, C replaced by A.
Protein change: p.Asn359Lys; replaces asparagine 359 with lysine.
Molecular consequence: missense variant.
Genome position (GRCh38, 1-based): chr16:1,455,155, G>T on the plus strand (C>A on the coding strand, the complement: CLCN7 is on the minus strand). VCF-style: chr16-1455155-G-T. GRCh37 (hg19) VCF-style: chr16-1505156-G-T.
Other names: c.1005C>A, p.Asn335Lys (NM_001114331.3); short protein forms N335K, N359K.
Identifiers: ClinVar variation 1334479 (VCV001334479.4), dbSNP rs2142378398, ClinGen allele CA394189713.

ClinVar aggregate classification (germline): Likely pathogenic (1 of 4 stars; one submission).

Conditions:
Autosomal dominant osteopetrosis 2. Also called: MARBLE BONES, AUTOSOMAL DOMINANT; OSTEOSCLEROSIS FRAGILIS GENERALISATA; ALBERS-SCHONBERG DISEASE, AUTOSOMAL DOMINANT; Autosomal Dominant Osteopetrosis Type II (ADOII); Osteopetroses; Marble bones. Identifiers: Orphanet 53, MedGen C3179239, MONDO:0008156, OMIM 166600.
Autosomal recessive osteopetrosis 4. Also called: infantile malignant CLCN7-related recessive osteopetrosis; CLCN7-Related Osteopetrosis. Identifiers: Orphanet 667, MedGen C1969106, MONDO:0012676, OMIM 611490.
Hypopigmentation, organomegaly, and delayed myelination and development. Identifiers: MedGen C5203300, MONDO:0032805, OMIM 618541.

Submission:

Greenwood Genetic Center Diagnostic Laboratories, Greenwood Genetic Center
Classification: Likely pathogenic for Hypopigmentation, organomegaly, and delayed myelination and development; Autosomal dominant osteopetrosis 2; Autosomal recessive osteopetrosis 4. Last evaluated: 2021-06-01. Review status: criteria provided, single submitter. Criteria: ACMG Guidelines, 2015. Collection method: clinical testing. Allele origin: germline. Affected: yes.
Comment: PS2, PM2